The following is an entry in ClinVar:

NM_000352.6(ABCC8):c.2217G>T (p.Trp739Cys)

Gene: ABCC8 (ATP binding cassette subfamily C member 8; minus strand). Cytogenetic location: 11p15.1.
Variant type: single nucleotide variant.
Coding change: c.2217G>T on transcript NM_000352.6 (MANE Select); coding-DNA position 2217, G replaced by T.
Protein change: p.Trp739Cys; replaces tryptophan 739 with cysteine.
Molecular consequence: missense variant. On other transcripts: non-coding transcript variant (1).
Genome position (GRCh38, 1-based): chr11:17,427,054, C>A on the plus strand (G>T on the coding strand, the complement: ABCC8 is on the minus strand). VCF-style: chr11-17427054-C-A. GRCh37 (hg19) VCF-style: chr11-17448601-C-A.
Other names: NM_000352.6(ABCC8):c.2217G>T; p.Trp739Cys; c.2217G>T, p.Trp739Cys (NM_001287174.3); c.2283G>T, p.Trp761Cys (NM_001351295.2); c.2214G>T, p.Trp738Cys (NM_001351296.2, NM_001351297.2); short protein forms W738C, W739C, W761C.
Identifiers: ClinVar variation 879979 (VCV000879979.7), dbSNP rs1331539684, ClinGen allele CA379813412.

ClinVar aggregate classification (germline): Uncertain significance. Review status: criteria provided, multiple submitters, no conflicts (2 of 4 stars). 7 submissions from 4 submitters: Uncertain significance (7). Last evaluated 2023-08-16.

Conditions:
Maturity-onset diabetes of the young (MODY). Also called: Maturity onset diabetes mellitus in young. Identifiers: Orphanet 552, MedGen C0342276, MONDO:0018911, HP:0004904.
Hyperinsulinemic hypoglycemia, familial, 1 (HHF1). Also called: Persistent Hyperinsulinemia Hypoglycemia of Infancy; Persistent hyperinsulinemic hypoglycemia of infancy; HYPERINSULINISM, FAMILIAL, WITH PANCREATIC NESIDIOBLASTOSIS; HYPOGLYCEMIA, HYPERINSULINEMIC, OF INFANCY; NESIDIOBLASTOSIS OF PANCREAS. Identifiers: Orphanet 276575, Orphanet 276598, MedGen C2931832, MONDO:0009734, OMIM 256450.
Permanent neonatal diabetes mellitus (PNDM). Identifiers: Orphanet 99885, MedGen C1833104, MONDO:0100164, MONDO:0011643. Disease mechanism: gain of function.
Diabetes mellitus, permanent neonatal 3. Also called: ABCC8-Related Permanent Neonatal Diabetes Mellitus. Identifiers: MedGen C5394303, MONDO:0030088, OMIM 618857.
Diabetes mellitus, transient neonatal, 2 (TNDM2). Identifiers: Orphanet 99886, MedGen C1835887, MONDO:0012480, OMIM 610374. Disease mechanism: loss of function.
Type 2 diabetes mellitus. Also called: Type II diabetes mellitus. Identifiers: MedGen C0011860, MeSH D003924, MONDO:0005148, OMIM 125853, HP:0005978.
Leucine-induced hypoglycemia (LIH). Also called: LEUCINE-SENSITIVE HYPOGLYCEMIA OF INFANCY. Identifiers: MedGen C0271714, MONDO:0009415, OMIM 240800.
Transitory neonatal diabetes mellitus. Also called: Transient neonatal diabetes mellitus. Identifiers: MedGen C0342273, MONDO:0020525, HP:0008255.

Allele frequency attached by ClinVar (database versions not stated): gnomAD exomes 0.00001 and 0.00003; gnomAD 0.00002; TOPMed 0.00002.
gnomAD v4.1: 42 of 1,613,754 alleles (0.0026%); highest among the groups gnomAD compares: Non-Finnish European, 0.0034%; no homozygotes.

Submissions (7):

Broad Center for Mendelian Genomics, Broad Institute of MIT and Harvard
Classification: Uncertain significance for Hyperinsulinemic hypoglycemia, familial, 1. Last evaluated: 2023-08-16. Review status: criteria provided, single submitter. Criteria: ACMG Guidelines, 2015. Collection method: curation. Allele origin: germline. Inheritance: Autosomal recessive inheritance.
Comment: The p.Trp739Cys variant in ABCC8 has been previously reported in 2 individuals with hyperinsulinemic hypoglycemia (PMID: 26180531, 23345197), and has been seen in 0.003% (3/113634) of European (non-Finnish) chromosomes by the Genome Aggregation Database (gnomAD; dbSNP: s1331539684). Although this variant has been seen in the general population in a heterozygous state, its frequency is low enough to be consistent with a recessive carrier frequency. This variant has also been reported in ClinVar (Variation ID: 879979) and has been interpreted as a variant of uncertain significance by Illumina Laboratory Services (Illumina) and Clinical Genomics (Uppaluri K&H Personalized Medicine Clinic). Of the 2 affected individuals, 1 was a compound heterozygote that carried a reported likely pathogenic variant in trans, which increases the likelihood that the p.Trp739Cys variant is pathogenic (Variation ID: 633026; PMID: 23345197). Computational prediction tools and conservation analyses suggest that this variant may impact the protein, though this information is not predictive enough to determine pathogenicity. In summary, the clinical significance of the p.Trp739Cys variant is uncertain. ACMG/AMP Criteria applied: PP3, PM2_supporting, PM3 (Richards 2015).

Fulgent Genetics
Classification: Uncertain significance for Type 2 diabetes mellitus; Leucine-induced hypoglycemia; Hyperinsulinemic hypoglycemia, familial, 1; Diabetes mellitus, transient neonatal, 2; Diabetes mellitus, permanent neonatal 3. Last evaluated: 2022-02-04. Review status: criteria provided, single submitter. Criteria: ACMG Guidelines, 2015. Collection method: clinical testing. Allele origin: unknown.

Illumina Laboratory Services, Illumina
Classification: Uncertain significance for Diabetes mellitus, transient neonatal, 2. Last evaluated: 2017-04-27. Review status: criteria provided, single submitter. Criteria: ICSL Variant Classification Criteria 13 December 2019. Collection method: clinical testing. Allele origin: germline.

Illumina Laboratory Services, Illumina
Classification: Uncertain significance for Hyperinsulinemic hypoglycemia, familial, 1. Last evaluated: 2017-04-27. Review status: criteria provided, single submitter. Criteria: ICSL Variant Classification Criteria 13 December 2019. Collection method: clinical testing. Allele origin: germline.
Comment: This variant was observed as part of a predisposition screen in an ostensibly healthy population. A literature search was performed for the gene, cDNA change, and amino acid change (where applicable). Publications were found based on this search. However, the evidence from the literature, in combination with allele frequency data from public databases where available, was not sufficient to rule this variant in or out of causing disease. Therefore, this variant is classified as a variant of unknown significance.

Illumina Laboratory Services, Illumina
Classification: Uncertain significance for Permanent neonatal diabetes mellitus 1. Last evaluated: 2017-04-27. Review status: criteria provided, single submitter. Criteria: ICSL Variant Classification Criteria 13 December 2019. Collection method: clinical testing. Allele origin: germline.

Clinical Genomics, Uppaluri K&H Personalized Medicine Clinic
Classification: Uncertain significance for Maturity-onset diabetes of the young. Review status: criteria provided, single submitter. Criteria: K & H Uppaluri Personalized Medicine Clinic Variant Classification & Assertion Criteria_Updated V.1. Collection method: research. Allele origin: unknown. Inheritance: Somatic mutation.
Comment: Mutations in ABCC8 gene are associated with both neonatal diabetes mellitus as well as MODY. Patients with this mutation may have a better response to sulfonylureas. However, no sufficient evidence is found to ascertain the role of this particular variant (rs1331539684) in MODY yet.

Clinical Genomics, Uppaluri K&H Personalized Medicine Clinic
Classification: Uncertain significance for Transitory neonatal diabetes mellitus. Review status: criteria provided, single submitter. Criteria: K & H Uppaluri Personalized Medicine Clinic Variant Classification & Assertion Criteria_Updated V.1. Collection method: research. Allele origin: unknown. Inheritance: Somatic mutation.
Comment: Mutations in ABCC8 gene are associated with both neonatal diabetes mellitus as well as MODY. Patients with this mutation may have a better response to sulfonylureas. However, no sufficient evidence is found to ascertain the role of this particular variant (rs1331539684) in neonatal diabetes yet.

Literature cited by the submitters: PubMed 23345197 (cited by Illumina Laboratory Services, Illumina); PubMed 26180531 (cited by Illumina Laboratory Services, Illumina); PubMed 16885549 (cited by Clinical Genomics, Uppaluri K&H Personalized Medicine Clinic); PubMed 21989597 (cited by Clinical Genomics, Uppaluri K&H Personalized Medicine Clinic); PubMed 27538677 (cited by Clinical Genomics, Uppaluri K&H Personalized Medicine Clinic); PubMed 18981553 (cited by Clinical Genomics, Uppaluri K&H Personalized Medicine Clinic); PubMed 32027066 (cited by Clinical Genomics, Uppaluri K&H Personalized Medicine Clinic); PubMed 16613899 (cited by Clinical Genomics, Uppaluri K&H Personalized Medicine Clinic); PubMed 18025408 (cited by Clinical Genomics, Uppaluri K&H Personalized Medicine Clinic); PubMed 32792356 (cited by Clinical Genomics, Uppaluri K&H Personalized Medicine Clinic).